The following is an entry in ClinVar:

ClinVar aggregate classification (germline): Uncertain significance (1 of 4 stars; one submission).

Conditions:
Amyotrophic lateral sclerosis type 4 (ALS4). Also called: AMYOTROPHIC LATERAL SCLEROSIS 4, JUVENILE; NEURONOPATHY, DISTAL HEREDITARY MOTOR, WITH PYRAMIDAL FEATURES. Identifiers: Orphanet 357043, MedGen C1865409, MONDO:0011223, OMIM 602433.
Spinocerebellar ataxia, autosomal recessive, with axonal neuropathy 2 (SCAN2). Also called: ATAXIA-OCULOMOTOR APRAXIA 2; Ataxia-ocular apraxia-2; Ataxia with Oculomotor Apraxia Type 2; Ataxia with Oculomotor Apraxia. Identifiers: Orphanet 64753, MedGen C1853761, MONDO:0018996, OMIM 606002.

gnomAD v4.1: 1 of 1,614,192 alleles (0.000062%); highest among the groups gnomAD compares: Non-Finnish European, 0.000085%; no homozygotes.

Submission:

Labcorp Genetics (formerly Invitae), Labcorp
Classification: Uncertain significance for Amyotrophic lateral sclerosis type 4; Spinocerebellar ataxia, autosomal recessive, with axonal neuropathy 2. Last evaluated: 2023-08-27. Review status: criteria provided, single submitter. Criteria: Invitae Variant Classification Sherloc (09022015). Collection method: clinical testing. Allele origin: germline.
Comment: This sequence change replaces arginine, which is basic and polar, with lysine, which is basic and polar, at codon 1669 of the SETX protein (p.Arg1669Lys). This variant is not present in population databases (gnomAD no frequency). This variant has not been reported in the literature in individuals affected with SETX-related conditions. Advanced modeling of protein sequence and biophysical properties (such as structural, functional, and spatial information, amino acid conservation, physicochemical variation, residue mobility, and thermodynamic stability) performed at Invitae indicates that this missense variant is not expected to disrupt SETX protein function. In summary, the available evidence is currently insufficient to determine the role of this variant in disease. Therefore, it has been classified as a Variant of Uncertain Significance.

NM_015046.7(SETX):c.5006G>A (p.Arg1669Lys)

Gene: SETX (senataxin; minus strand). Cytogenetic location: 9q34.13.
Variant type: single nucleotide variant.
Coding change: c.5006G>A on transcript NM_015046.7 (MANE Select); coding-DNA position 5006, G replaced by A.
Protein change: p.Arg1669Lys; replaces arginine 1669 with lysine.
Molecular consequence: missense variant.
Genome position (GRCh38, 1-based): chr9:132,326,592, C>T on the plus strand (G>A on the coding strand, the complement: SETX is on the minus strand). VCF-style: chr9-132326592-C-T. GRCh37 (hg19) VCF-style: chr9-135201979-C-T.
Other names: c.5006G>A, p.Arg1669Lys (NM_001351527.2, NM_001351528.2); short protein forms R1669K.
Identifiers: ClinVar variation 2940007 (VCV002940007.3), dbSNP rs1846785634, ClinGen allele CA375322631.
Genomic context (GRCh38, chr9:132,326,592, plus strand): 5'-TTTACTGGAGAGGAAGATGGAAAATATTTGCTTTCACCAAATGGAACTTTGCAACCTTGC[C>T]TGTTGGAATTATTCGGAGACTGAGGATGAAGAACATTGCACGAATTCTTCATTTCACCAA-3'
Protein context (NP_055861.3, residues 1659-1679): LHPQSPNNSN[Arg1669Lys]QGCKVPFGES